The following is an entry in ClinVar:

ClinVar aggregate classification (germline): Pathogenic. Review status: criteria provided, multiple submitters, no conflicts (2 of 4 stars). 2 submissions from 2 submitters: Pathogenic (2). Last evaluated 2026-04-15.

Conditions:
DYM-related disorder. Also called: DYM-related condition.

gnomAD v4.1: 4 of 1,585,580 alleles (0.00025%); highest among the groups gnomAD compares: African/African-American, 0.0027%; no homozygotes.

Submissions (2):

GeneDx
Classification: Pathogenic. Last evaluated: 2026-04-15. Review status: criteria provided, single submitter. Criteria: GeneDx Variant Classification Process June 2021. Collection method: clinical testing. Allele origin: germline.
Comment: Nonsense variant predicted to result in protein truncation or nonsense mediated decay in a gene for which loss of function is a known mechanism of disease; Not observed at significant frequency in large population cohorts (gnomAD); This variant is associated with the following publications: (PMID: 25525159, 36833437, 35477554, 16326827)

Blueprint Genetics
Classification: Pathogenic for DYM-related disorders. Last evaluated: 2022-10-20. Review status: criteria provided, single submitter. Criteria: ACMG Guidelines, 2015. Collection method: clinical testing. Allele origin: germline. Affected: yes. Observed: 3 variant alleles.

NM_001353214.3(DYM):c.1363C>T (p.Arg455Ter)

Gene: DYM (dymeclin; minus strand). Cytogenetic location: 18q21.1.
Variant type: single nucleotide variant.
Coding change: c.1363C>T on transcript NM_001353214.3 (MANE Select); coding-DNA position 1363, C replaced by T.
Protein change: p.Arg455Ter; replaces arginine 455 with a stop codon.
Molecular consequence: nonsense.
Genome position (GRCh38, 1-based): chr18:49,258,382, G>A on the plus strand (C>T on the coding strand, the complement: DYM is on the minus strand). VCF-style: chr18-49258382-G-A. GRCh37 (hg19) VCF-style: chr18-46784752-G-A.
Other names: c.1357C>T, p.Arg453Ter (NM_001374429.1, NM_001374439.1); c.1363C>T, p.Arg455Ter (NM_001374430.1, NM_001374431.1, NM_001374433.1 and 5 more transcripts); c.1237C>T, p.Arg413Ter (NM_001374432.1, NM_001374436.1); c.1360C>T, p.Arg454Ter (NM_001374435.1, NM_001374438.1, NM_001353210.3 and 3 more transcripts); c.1180C>T, p.Arg394Ter (NM_001374437.1); c.1135C>T, p.Arg379Ter (NM_001374440.1); c.793C>T, p.Arg265Ter (NM_001374441.1, NM_001374442.1, NM_001374444.1); c.790C>T, p.Arg264Ter (NM_001374443.1); and 1 more; short protein forms R379*, R413*, R453*, R265*, R455*, R264*, R394*, R454*.
Identifiers: ClinVar variation 4939028 (VCV004939028.2).